The following is an entry in ClinVar:

ClinVar aggregate classification (germline): Uncertain significance (1 of 4 stars; one submission).

Allele frequency attached by ClinVar (database versions not stated): gnomAD exomes below 0.00001.

Submission:

Labcorp Genetics (formerly Invitae), Labcorp
Classification: Uncertain significance. Last evaluated: 2023-08-04. Review status: criteria provided, single submitter. Criteria: Invitae Variant Classification Sherloc (09022015). Collection method: clinical testing. Allele origin: germline.
Comment: In summary, the available evidence is currently insufficient to determine the role of this variant in disease. Therefore, it has been classified as a Variant of Uncertain Significance. Advanced modeling of protein sequence and biophysical properties (such as structural, functional, and spatial information, amino acid conservation, physicochemical variation, residue mobility, and thermodynamic stability) performed at Invitae indicates that this missense variant is not expected to disrupt PDZD7 protein function. ClinVar contains an entry for this variant (Variation ID: 1491029). This variant has not been reported in the literature in individuals affected with PDZD7-related conditions. This variant is not present in population databases (gnomAD no frequency). This sequence change replaces arginine, which is basic and polar, with cysteine, which is neutral and slightly polar, at codon 66 of the PDZD7 protein (p.Arg66Cys).

NM_001195263.2(PDZD7):c.196C>T (p.Arg66Cys)

Gene: PDZD7 (PDZ domain containing 7; minus strand). Cytogenetic location: 10q24.31.
Variant type: single nucleotide variant.
Coding change: c.196C>T on transcript NM_001195263.2 (MANE Select); coding-DNA position 196, C replaced by T.
Protein change: p.Arg66Cys; replaces arginine 66 with cysteine.
Molecular consequence: missense variant.
Genome position (GRCh38, 1-based): chr10:101,030,024, G>A on the plus strand (C>T on the coding strand, the complement: PDZD7 is on the minus strand). VCF-style: chr10-101030024-G-A. GRCh37 (hg19) VCF-style: chr10-102789781-G-A.
Other names: c.196C>T, p.Arg66Cys (NM_001351044.2, NM_024895.5); short protein forms R66C.
Identifiers: ClinVar variation 1491029 (VCV001491029.6), dbSNP rs2134157286, ClinGen allele CA378231209.
Genomic context (GRCh38, chr10:101,030,024, plus strand): 5'-CCCAGGCCAGTGGCTGGGTCCCGCCCCTACCTTCGATGGGGGAGTTGATGAGGATGACGC[G>A]TCCCATGGGCGATGAGGCTCGGATTCCGCGGGGGGGCCCGTTCAGCAGCCGTTGTTGCTT-3'
Protein context (NP_001182192.1, residues 56-76): RGIRASSPMG[Arg66Cys]VILINSPIEA